The following is an entry in ClinVar:

ClinVar aggregate classification (germline): Likely pathogenic (1 of 4 stars; one submission).

Submission:

Labcorp Genetics (formerly Invitae), Labcorp
Classification: Likely pathogenic. Last evaluated: 2020-08-26. Review status: criteria provided, single submitter. Criteria: Invitae Variant Classification Sherloc (09022015). Collection method: clinical testing. Allele origin: germline.
Comment: In summary, this variant is a novel missense change affecting a residue that is known to be critical for normal protein structure, stability and function. This type of missense change is also highly enriched in affected individuals and expected to be pathogenic. However, without additional functional and/or genetic data, this variant has been classified as Likely Pathogenic. Glycine residues within the Gly-Xaa-Yaa repeats of the triple helix domain are required for the structure and stability of fibrillar collagens (PMID: 7695699, 8218237, 19344236). In COL4A5, missense variants at these glycine residues are significantly enriched in individuals with disease (PMID: 23720012, 27627812) compared to the general population (ExAC). This variant has not been reported in the literature in individuals with COL4A5-related conditions. This variant is not present in population databases (ExAC no frequency). This sequence change replaces glycine with arginine at codon 1318 of the COL4A5 protein (p.Gly1318Arg). The glycine residue is highly conserved and there is a moderate physicochemical difference between glycine and arginine.

Literature cited by the submitters: PubMed 7695699; PubMed 8218237; PubMed 19344236; PubMed 23720012; PubMed 27627812.

NM_033380.3(COL4A5):c.3970G>A (p.Gly1324Arg)

Gene: COL4A5 (collagen type IV alpha 5 chain; plus strand). Cytogenetic location: Xq22.3.
Variant type: single nucleotide variant.
Coding change: c.3970G>A on transcript NM_033380.3 (MANE Select); coding-DNA position 3970, G replaced by A.
Protein change: p.Gly1324Arg; replaces glycine 1324 with arginine.
Molecular consequence: missense variant.
Genome position (GRCh38, 1-based): chrX:108,680,706, G>A. VCF-style: chrX-108680706-G-A. GRCh37 (hg19) VCF-style: chrX-107923936-G-A.
Other names: c.3952G>A, p.Gly1318Arg (NM_000495.5); short protein forms G1324R, G1318R.
Identifiers: ClinVar variation 939990 (VCV000939990.9), dbSNP rs2068409652, ClinGen allele CA413850985.
Genomic context (GRCh38, chrX:108,680,706, plus strand): 5'-TTTTTTGTAACATTAATGATTTTATTTATTCAGGGTAATCCTGGCCGGCCGGGTCTCAAT[G>A]GAATGAAAGGAGATCCTGGTCTCCCTGGTGTTCCAGGATTCCCAGGTATTTGAAGGGATT-3'
Protein context (NP_203699.1, residues 1314-1334): QGNPGRPGLN[Gly1324Arg]MKGDPGLPGV